The following is an entry in ClinVar:

ClinVar aggregate classification (germline): Uncertain significance (1 of 4 stars; one submission).

Conditions:
Long QT syndrome (LQTS). Identifiers: MedGen C0023976, MeSH D008133, MONDO:0002442. Disease mechanism: loss of function. Inheritance: Various modes of inheritance.

gnomAD v4.1: 5 of 1,525,748 alleles (0.00033%); highest among the groups gnomAD compares: African/African-American, 0.0014%; no homozygotes.

Submission:

All of Us Research Program, National Institutes of Health
Classification: Uncertain significance for Long QT syndrome. Last evaluated: 2023-06-28. Review status: criteria provided, single submitter. Criteria: ACMG Guidelines, 2015. Collection method: clinical testing. Allele origin: germline. Inheritance: Autosomal dominant inheritance. Observed: 1 variant allele, 1 heterozygote.
Comment: This study involves interpretation of variants in research participants for the purpose of population health screening. Participant phenotype was not available at the time of variant classification. Additional details can be found in publication PMID: 35346344, PMCID: PMC8962531

NM_000238.4(KCNH2):c.2743G>A (p.Ala915Thr)

Gene: KCNH2 (potassium voltage-gated channel subfamily H member 2; minus strand). Cytogenetic location: 7q36.1.
Variant type: single nucleotide variant.
Coding change: c.2743G>A on transcript NM_000238.4 (MANE Select); coding-DNA position 2743, G replaced by A.
Protein change: p.Ala915Thr; replaces alanine 915 with threonine.
Molecular consequence: missense variant.
Genome position (GRCh38, 1-based): chr7:150,947,828, C>T on the plus strand (G>A on the coding strand, the complement: KCNH2 is on the minus strand). VCF-style: chr7-150947828-C-T. GRCh37 (hg19) VCF-style: chr7-150644916-C-T.
Other names: c.2455G>A, p.Ala819Thr (NM_001406753.1); c.1723G>A, p.Ala575Thr (NM_172057.3); short protein forms A575T, A819T, A915T.
Identifiers: ClinVar variation 3071739 (VCV003071739.1), dbSNP rs2486008244, ClinGen allele CA369853480.